The following is an entry in ClinVar:

ClinVar aggregate classification (germline): Uncertain significance (1 of 4 stars; one submission).

Submission:

Mayo Clinic Laboratories, Mayo Clinic
Classification: Uncertain significance. Last evaluated: 2023-04-14. Review status: criteria provided, single submitter. Criteria: ACMG Guidelines, 2015. Collection method: clinical testing. Allele origin: germline. Observed: 1 variant allele.
Comment: PP4, PM2, PM3

Literature cited by the submitters: PubMed 10649495; PubMed 10796875; PubMed 32618053; PubMed 34867278.

NM_000157.4(GBA1):c.685G>A (p.Ala229Thr)

Genes: GBA1 (glucosylceramidase beta 1; minus strand), LOC106627981 (GBA recombination region; plus strand). Cytogenetic location: 1q22.
Variant type: single nucleotide variant.
Coding change: c.685G>A on transcript NM_000157.4 (MANE Select); coding-DNA position 685, G replaced by A.
Protein change: p.Ala229Thr; replaces alanine 229 with threonine.
Molecular consequence: missense variant.
Genome position (GRCh38, 1-based): chr1:155,238,210, C>T on the plus strand (G>A on the coding strand, the complement: GBA1 is on the minus strand). VCF-style: chr1-155238210-C-T. GRCh37 (hg19) VCF-style: chr1-155208001-C-T.
Other names: p.Ala229Thr; c.685G>A, p.Ala229Thr (NM_001005741.3, NM_001005742.3); c.424G>A, p.Ala142Thr (NM_001171811.2); c.538G>A, p.Ala180Thr (NM_001171812.2); short protein forms A142T, A180T, A229T.
Identifiers: ClinVar variation 2683778 (VCV002683778.1), dbSNP rs2524836354, ClinGen allele CA342722098.